The following is an entry in ClinVar:

NM_000163.5(GHR):c.1164C>A (p.Ser388Arg)

Gene: GHR (growth hormone receptor; plus strand). Cytogenetic location: 5p12.
Variant type: single nucleotide variant.
Coding change: c.1164C>A on transcript NM_000163.5 (MANE Select); coding-DNA position 1164, C replaced by A.
Protein change: p.Ser388Arg; replaces serine 388 with arginine.
Molecular consequence: missense variant. On other transcripts: 3 prime UTR variant (1).
Genome position (GRCh38, 1-based): chr5:42,718,671, C>A. VCF-style: chr5-42718671-C-A. GRCh37 (hg19) VCF-style: chr5-42718773-C-A.
Other names: c.1185C>A, p.Ser395Arg (NM_001242399.2); c.1164C>A, p.Ser388Arg (NM_001242400.2, NM_001242401.4, NM_001242402.2 and 4 more transcripts); c.1098C>A, p.Ser366Arg (NM_001242460.2); c.*206C>A (NM_001242462.1); short protein forms S366R, S388R, S395R.
Identifiers: ClinVar variation 2571926 (VCV002571926.1), dbSNP rs1161975957, ClinGen allele CA359629617.

ClinVar aggregate classification (germline): Uncertain significance (1 of 4 stars; one submission).

Allele frequency attached by ClinVar (database versions not stated): TOPMed below 0.00001.

Submission:

GeneDx
Classification: Uncertain significance. Last evaluated: 2023-01-09. Review status: criteria provided, single submitter. Criteria: GeneDx Variant Classification Process June 2021. Collection method: clinical testing. Allele origin: germline. Affected: yes.
Comment: Not observed at significant frequency in large population cohorts (gnomAD); In silico analysis supports that this missense variant has a deleterious effect on protein structure/function; Has not been previously published as pathogenic or benign to our knowledge